The following is an entry in ClinVar:

ClinVar aggregate classification (germline): Uncertain significance (1 of 4 stars; one submission).

Conditions:
SCAF4-related disorder. Also called: SCAF4-related condition.

Submission:

PreventionGenetics, part of Exact Sciences
Classification: Uncertain significance for SCAF4-related condition. Last evaluated: 2025-06-10. Review status: criteria provided, single submitter. Criteria: ACMG Guidelines, 2015. Collection method: clinical testing. Allele origin: germline.
Comment: The SCAF4 c.1702T>C variant is predicted to result in the amino acid substitution p.Tyr568His. To our knowledge, this variant has not been reported in the literature or in a large population database (gnomAD), indicating this variant is rare. At this time, the clinical significance of this variant is uncertain due to the absence of conclusive functional and genetic evidence.

NM_020706.2(SCAF4):c.1702T>C (p.Tyr568His)

Gene: SCAF4 (SR-related CTD associated factor 4; minus strand). Cytogenetic location: 21q22.11.
Variant type: single nucleotide variant.
Coding change: c.1702T>C on transcript NM_020706.2 (MANE Select); coding-DNA position 1702, T replaced by C.
Protein change: p.Tyr568His; replaces tyrosine 568 with histidine.
Molecular consequence: missense variant.
Genome position (GRCh38, 1-based): chr21:31,691,843, A>G on the plus strand (T>C on the coding strand, the complement: SCAF4 is on the minus strand). VCF-style: chr21-31691843-A-G. GRCh37 (hg19) VCF-style: chr21-33064156-A-G.
Other names: c.1657T>C, p.Tyr553His (NM_001145444.1); c.1702T>C, p.Tyr568His (NM_001145445.1); short protein forms Y553H, Y568H.
Identifiers: ClinVar variation 4999242 (VCV004999242.1).